The following is an entry in ClinVar:

ClinVar aggregate classification (germline): Uncertain significance (1 of 4 stars; one submission).

Conditions:
Capillary malformation-arteriovenous malformation syndrome. Also called: Capillary malformation-arteriovenous malformation. Identifiers: Orphanet 137667, MedGen C1842180, MONDO:0012016.

gnomAD v4.1: 1 of 1,604,110 alleles (0.000062%); highest among the groups gnomAD compares: Non-Finnish European, 0.000085%; no homozygotes.

Submission:

Labcorp Genetics (formerly Invitae), Labcorp
Classification: Uncertain significance for Capillary malformation-arteriovenous malformation syndrome. Last evaluated: 2024-09-16. Review status: criteria provided, single submitter. Criteria: Invitae Variant Classification Sherloc (09022015). Collection method: clinical testing. Allele origin: germline.
Comment: This sequence change replaces alanine, which is neutral and non-polar, with serine, which is neutral and polar, at codon 565 of the RASA1 protein (p.Ala565Ser). This variant is not present in population databases (gnomAD no frequency). This variant has not been reported in the literature in individuals affected with RASA1-related conditions. An algorithm developed to predict the effect of missense changes on protein structure and function (PolyPhen-2) suggests that this variant is likely to be disruptive. In summary, the available evidence is currently insufficient to determine the role of this variant in disease. Therefore, it has been classified as a Variant of Uncertain Significance.

NM_002890.3(RASA1):c.1693G>T (p.Ala565Ser)

Genes: CCNH (cyclin H; minus strand), RASA1 (RAS p21 protein activator 1; plus strand). Cytogenetic location: 5q14.3.
Variant type: single nucleotide variant.
Coding change: c.1693G>T on transcript NM_002890.3 (MANE Select); coding-DNA position 1693, G replaced by T.
Protein change: p.Ala565Ser; replaces alanine 565 with serine.
Molecular consequence: missense variant. On other transcripts: intron variant (1).
Genome position (GRCh38, 1-based): chr5:87,369,895, G>T. VCF-style: chr5-87369895-G-T. GRCh37 (hg19) VCF-style: chr5-86665712-G-T.
Other names: c.1162G>T, p.Ala388Ser (NM_022650.3); c.933+25149C>A (NM_001364075.2); short protein forms A565S, A388S.
Identifiers: ClinVar variation 3664912 (VCV003664912.2).